The following is an entry in ClinVar:

ClinVar aggregate classification (germline): Uncertain significance. Review status: criteria provided, multiple submitters, no conflicts (2 of 4 stars). 3 submissions from 3 submitters: Uncertain significance (3). Last evaluated 2024-06-26.

Conditions:
DK1-congenital disorder of glycosylation. Also called: DK1-CDG; CONGENITAL DISORDER OF GLYCOSYLATION, TYPE Im; DOLK-congenital disorder of glycosylation; Carbohydrate deficient glycoprotein syndrome type 1m; CDG Im; DK1 DEFICIENCY. Identifiers: Orphanet 91131, MedGen C1835849, MONDO:0012556, OMIM 610768.

Allele frequency attached by ClinVar (database versions not stated): gnomAD exomes below 0.00001.

Submissions (3):

Blueprint Genetics
Classification: Uncertain significance. Last evaluated: 2024-06-26. Review status: criteria provided, single submitter. Criteria: ACMG Guidelines, 2015. Collection method: clinical testing. Allele origin: germline.

GeneDx
Classification: Uncertain significance. Last evaluated: 2024-06-10. Review status: criteria provided, single submitter. Criteria: GeneDx Variant Classification Process June 2021. Collection method: clinical testing. Allele origin: germline. Affected: yes.
Comment: Not observed at significant frequency in large population cohorts (gnomAD); In silico analysis indicates that this missense variant does not alter protein structure/function; Has not been previously published as pathogenic or benign to our knowledge

Labcorp Genetics (formerly Invitae), Labcorp
Classification: Uncertain significance for DK1-congenital disorder of glycosylation. Last evaluated: 2022-03-23. Review status: criteria provided, single submitter. Criteria: Invitae Variant Classification Sherloc (09022015). Collection method: clinical testing. Allele origin: germline.
Comment: In summary, the available evidence is currently insufficient to determine the role of this variant in disease. Therefore, it has been classified as a Variant of Uncertain Significance. Algorithms developed to predict the effect of missense changes on protein structure and function are either unavailable or do not agree on the potential impact of this missense change (SIFT: "Deleterious"; PolyPhen-2: "Probably Damaging"; Align-GVGD: "Class C0"). This variant has not been reported in the literature in individuals affected with DOLK-related conditions. This sequence change replaces arginine, which is basic and polar, with cysteine, which is neutral and slightly polar, at codon 134 of the DOLK protein (p.Arg134Cys). This variant is not present in population databases (gnomAD no frequency).

NM_014908.4(DOLK):c.400C>T (p.Arg134Cys)

Gene: DOLK (dolichol kinase; minus strand). Cytogenetic location: 9q34.11.
Variant type: single nucleotide variant.
Coding change: c.400C>T on transcript NM_014908.4 (MANE Select); coding-DNA position 400, C replaced by T.
Protein change: p.Arg134Cys; replaces arginine 134 with cysteine.
Molecular consequence: missense variant.
Genome position (GRCh38, 1-based): chr9:128,946,904, G>A on the plus strand (C>T on the coding strand, the complement: DOLK is on the minus strand). VCF-style: chr9-128946904-G-A. GRCh37 (hg19) VCF-style: chr9-131709183-G-A.
Other names: short protein forms R134C.
Identifiers: ClinVar variation 1899255 (VCV001899255.7), dbSNP rs1050848825, ClinGen allele CA200445308.
Genomic context (GRCh38, chr9:128,946,904, plus strand): 5'-TATAAATGATAACACCTCCAGCCAAGCCCAAGATGACACAAGTGTTGGTTGGCACTGGGC[G>A]AGTGATGCCGAGCGCCAACACTGATGAGAAGAGGGCCACTGCCATGCCAGTGGCTGCCAC-3'
Protein context (NP_055723.1, residues 124-144): FSSVLALGIT[Arg134Cys]PVPTNTCVIL